The following is an entry in ClinVar:

ClinVar aggregate classification (germline): Uncertain significance. Review status: criteria provided, single submitter (1 of 4 stars). 2 submissions from 2 submitters: Uncertain significance (1). 1 of the submissions does not count toward it. Last evaluated 2019-10-29.

Conditions:
ADPRS-related disorder. Also called: ADPRS-related condition.
Neurodegeneration, childhood-onset, stress-induced, with variable ataxia and seizures. Identifiers: Orphanet 694922, MedGen C4748527, MONDO:0100095, OMIM 618170.

Allele frequency attached by ClinVar (database versions not stated): TOPMed 0.00002; ESP Exome Variant Server 0.00015; gnomAD exomes 0.00001.

Submissions (2):

Baylor Genetics
Classification: Uncertain significance for Neurodegeneration, childhood-onset, stress-induced, with variable ataxia and seizures. Last evaluated: 2019-10-29. Review status: criteria provided, single submitter. Criteria: ACMG Guidelines, 2015. Collection method: clinical testing. Allele origin: unknown. Affected: yes.
Comment: This variant was determined to be of uncertain significance according to ACMG Guidelines, 2015 [PMID:25741868].

PreventionGenetics, part of Exact Sciences
Classification: Likely benign for ADPRS-related condition. Last evaluated: 2019-04-26. Review status: no assertion criteria provided. Collection method: clinical testing. Allele origin: germline. Not counted in ClinVar's aggregate classification.
Comment: This variant is classified as likely benign based on ACMG/AMP sequence variant interpretation guidelines (Richards et al. 2015 PMID: 25741868, with internal and published modifications).

NM_017825.3(ADPRS):c.384G>A (p.Leu128=)

Gene: ADPRS (ADP-ribosylserine hydrolase; plus strand). Cytogenetic location: 1p34.3.
Variant type: single nucleotide variant.
Coding change: c.384G>A on transcript NM_017825.3 (MANE Select); coding-DNA position 384, G replaced by A.
Protein change: p.Leu128=; no amino-acid change (leucine 128 retained).
Molecular consequence: synonymous variant.
Genome position (GRCh38, 1-based): chr1:36,091,693, G>A. VCF-style: chr1-36091693-G-A. GRCh37 (hg19) VCF-style: chr1-36557294-G-A.
Identifiers: ClinVar variation 1029487 (VCV001029487.3), dbSNP rs138995178, ClinGen allele CA20697314.